The following is an entry in ClinVar:

ClinVar aggregate classification (germline): Uncertain significance (1 of 4 stars; one submission).

Conditions:
Malignant hyperthermia, susceptibility to, 1 (MHS1). Also called: Anesthesia related hyperthermia; Malignant hyperpyrexia; Fulminating hyperpyrexia; Pharmacogenic myopathy; RYR1-Related Malignant Hyperthermia Susceptibility; Malignant hyperthermia suceptibility 1. Identifiers: Orphanet 423, MedGen C2930980, MONDO:0007783, OMIM 145600.

Submission:

All of Us Research Program, National Institutes of Health
Classification: Uncertain significance for Malignant hyperthermia, susceptibility to, 1. Last evaluated: 2023-11-02. Review status: criteria provided, single submitter. Criteria: ACMG Guidelines, 2015. Collection method: clinical testing. Allele origin: germline. Inheritance: Autosomal dominant inheritance. Observed: 1 variant allele, 1 heterozygote.
Comment: This missense variant replaces proline with alanine at codon 3233 of the RYR1 protein. Computational prediction suggests that this variant may have deleterious impact on protein structure and function (internally defined REVEL score threshold >= 0.7, PMID: 27666373). To our knowledge, functional studies have not been reported for this variant. This variant has not been reported in individuals affected with RYR1-related disorders in the literature. This variant has not been identified in the general population by the Genome Aggregation Database (gnomAD). The available evidence is insufficient to determine the role of this variant in disease conclusively. Therefore, this variant is classified as a Variant of Uncertain Significance.

This study involves interpretation of variants in research participants for the purpose of population health screening. Participant phenotype was not available at the time of variant classification. Additional details can be found in publication PMID: 35346344, PMCID: PMC8962531

NM_000540.3(RYR1):c.9697C>G (p.Pro3233Ala)

Gene: RYR1 (ryanodine receptor 1; plus strand). Cytogenetic location: 19q13.2.
Variant type: single nucleotide variant.
Coding change: c.9697C>G on transcript NM_000540.3 (MANE Select); coding-DNA position 9697, C replaced by G.
Protein change: p.Pro3233Ala; replaces proline 3233 with alanine.
Molecular consequence: missense variant.
Genome position (GRCh38, 1-based): chr19:38,517,370, C>G. VCF-style: chr19-38517370-C-G. GRCh37 (hg19) VCF-style: chr19-39008010-C-G.
Other names: c.9697C>G, p.Pro3233Ala (NM_001042723.2); short protein forms P3233A.
Identifiers: ClinVar variation 3074292 (VCV003074292.1), dbSNP rs748843045, ClinGen allele CA405691312.